The following is an entry in ClinVar:

NM_000388.4(CASR):c.862A>G (p.Ile288Val)

Gene: CASR (calcium sensing receptor; plus strand). Cytogenetic location: 3q21.1.
Variant type: single nucleotide variant.
Coding change: c.862A>G on transcript NM_000388.4 (MANE Select); coding-DNA position 862, A replaced by G.
Protein change: p.Ile288Val; replaces isoleucine 288 with valine.
Molecular consequence: missense variant.
Genome position (GRCh38, 1-based): chr3:122,261,897, A>G. VCF-style: chr3-122261897-A-G. GRCh37 (hg19) VCF-style: chr3-121980744-A-G.
Other names: c.862A>G, p.Ile288Val (NM_001178065.2); short protein forms I288V.
Identifiers: ClinVar variation 1055834 (VCV001055834.11), dbSNP rs2107632419, ClinGen allele CA354151510.

ClinVar aggregate classification (germline): Uncertain significance. Review status: criteria provided, single submitter (1 of 4 stars). 2 submissions from 2 submitters: Uncertain significance (1). 1 of the submissions does not count toward it. Last evaluated 2022-09-27.

Conditions:
Autosomal dominant hypocalcemia 1 (HYPOC1). Also called: HYPOCALCEMIA, FAMILIAL. Identifiers: MedGen C3715128, MONDO:0011013, OMIM 601198.
Familial hypocalciuric hypercalcemia (FHH). Also called: Familial benign hypercalcemia. Identifiers: Orphanet 405, MedGen C1809471, MONDO:0018458.

Allele frequency attached by ClinVar (database versions not stated): gnomAD exomes below 0.00001.
gnomAD v4.1: 2 of 1,614,184 alleles (0.00012%); highest among the groups gnomAD compares: Non-Finnish European, 0.00017%; no homozygotes.

Submissions (2):

Labcorp Genetics (formerly Invitae), Labcorp
Classification: Uncertain significance for Familial hypocalciuric hypercalcemia; Autosomal dominant hypocalcemia 1. Last evaluated: 2022-09-27. Review status: criteria provided, single submitter. Criteria: Invitae Variant Classification Sherloc (09022015). Collection method: clinical testing. Allele origin: germline.
Comment: This sequence change replaces isoleucine, which is neutral and non-polar, with valine, which is neutral and non-polar, at codon 288 of the CASR protein (p.Ile288Val). This variant is not present in population databases (gnomAD no frequency). This missense change has been observed in individual(s) with clinical features of familial hypocalciuric hypercalcemia (PMID: 22192860). ClinVar contains an entry for this variant (Variation ID: 1055834). Algorithms developed to predict the effect of missense changes on protein structure and function are either unavailable or do not agree on the potential impact of this missense change (SIFT: "Deleterious"; PolyPhen-2: "Benign"; Align-GVGD: "Class C25"). In summary, the available evidence is currently insufficient to determine the role of this variant in disease. Therefore, it has been classified as a Variant of Uncertain Significance.

Clinical Genetics Laboratory, University Hospital Schleswig-Holstein
Classification: Uncertain significance for Autosomal dominant hypocalcemia 1. Last evaluated: 2021-08-25. Review status: no assertion criteria provided. Collection method: clinical testing. Allele origin: germline. Affected: yes. Not counted in ClinVar's aggregate classification.

Literature cited by the submitters: PubMed 22192860 (cited by Labcorp Genetics (formerly Invitae), Labcorp).